The following is an entry in ClinVar:

NM_004795.4(KL):c.721dup (p.Tyr241fs)

Gene: KL (klotho; plus strand). Cytogenetic location: 13q13.1.
Variant type: Duplication.
Coding change: c.721dup on transcript NM_004795.4 (MANE Select); coding-DNA position 721, one base duplicated (T; older notation c.721dupT).
Protein change: p.Tyr241fs; shifts the reading frame from tyrosine 241.
Molecular consequence: frameshift variant.
Genome position (GRCh38, 1-based): chr13:33,017,161, T duplicated. VCF-style (leftmost placement, unchanged base first): chr13-33017160-C-CT. GRCh37 (hg19) VCF-style: chr13-33591298-C-CT.
Other names: short protein forms Y241fs.
Identifiers: ClinVar variation 1503036 (VCV001503036.7), dbSNP rs2138184030, ClinGen allele CA2573149676.

ClinVar aggregate classification (germline): Uncertain significance. Review status: criteria provided, multiple submitters, no conflicts (2 of 4 stars). 2 submissions from 2 submitters: Uncertain significance (2). Last evaluated 2022-07-26.

Conditions:
Tumoral calcinosis, hyperphosphatemic, familial, 3. Identifiers: MedGen C4693864, MONDO:0060715, OMIM 617994.

Allele frequency attached by ClinVar (database versions not stated): gnomAD exomes below 0.00001.

Submissions (2):

Labcorp Genetics (formerly Invitae), Labcorp
Classification: Uncertain significance. Last evaluated: 2022-07-26. Review status: criteria provided, single submitter. Criteria: Invitae Variant Classification Sherloc (09022015). Collection method: clinical testing. Allele origin: germline.
Comment: In summary, the available evidence is currently insufficient to determine the role of this variant in disease. Therefore, it has been classified as a Variant of Uncertain Significance. ClinVar contains an entry for this variant (Variation ID: 1503036). This variant has not been reported in the literature in individuals affected with KL-related conditions. This variant is not present in population databases (gnomAD no frequency). This sequence change creates a premature translational stop signal (p.Tyr241Leufs*94) in the KL gene. It is expected to result in an absent or disrupted protein product. However, the current clinical and genetic evidence is not sufficient to establish whether loss-of-function variants in KL cause disease.

Fulgent Genetics
Classification: Uncertain significance for Tumoral calcinosis, hyperphosphatemic, familial, 3. Last evaluated: 2021-11-11. Review status: criteria provided, single submitter. Criteria: ACMG Guidelines, 2015. Collection method: clinical testing. Allele origin: unknown.